The following is an entry in ClinVar:

ClinVar aggregate classification (germline): Uncertain significance (1 of 4 stars; one submission).

Conditions:
Ataxia-telangiectasia syndrome (AT). Also called: Ataxia-telangiectasia, complementation group D; AT, COMPLEMENTATION GROUP C; ATAXIA-TELANGIECTASIA, COMPLEMENTATION GROUP A; ATAXIA-TELANGIECTASIA, FRESNO VARIANT; Ataxia-telangiectasia; Ataxia telangiectasia (A-T). Identifiers: Orphanet 100, MedGen C0004135, MONDO:0008840, OMIM 208900.

Submission:

Labcorp Genetics (formerly Invitae), Labcorp
Classification: Uncertain significance for Ataxia-telangiectasia syndrome. Last evaluated: 2022-08-16. Review status: criteria provided, single submitter. Criteria: Invitae Variant Classification Sherloc (09022015). Collection method: clinical testing. Allele origin: germline.
Comment: Experimental studies and prediction algorithms are not available or were not evaluated, and the functional significance of this variant is currently unknown. In summary, the available evidence is currently insufficient to determine the role of this variant in disease. Therefore, it has been classified as a Variant of Uncertain Significance. ClinVar contains an entry for this variant (Variation ID: 938953). This variant has not been reported in the literature in individuals affected with ATM-related conditions. This variant is not present in population databases (gnomAD no frequency). This variant, c.8558_8559insAAA, results in the insertion of 1 amino acid(s) of the ATM protein (p.Thr2853_Arg2854insLys), but otherwise preserves the integrity of the reading frame.

NM_000051.4(ATM):c.8558_8559insAAA (p.Thr2853_Arg2854insLys)

Genes: ATM (ATM serine/threonine kinase; plus strand), C11orf65 (chromosome 11 open reading frame 65; minus strand). Cytogenetic location: 11q22.3.
Variant type: Insertion.
Coding change: c.8558_8559insAAA on transcript NM_000051.4 (MANE Select); coding-DNA positions 8558 to 8559, AAA inserted.
Protein change: p.Thr2853_Arg2854insLys.
Molecular consequence: inframe insertion. On other transcripts: intron variant (2).
Genome position: GRCh38 VCF-style: chr11-108345882-C-CAAA. GRCh37 (hg19) VCF-style: chr11-108216609-C-CAAA.
Other names: c.8558_8559insAAA, p.Thr2853_Arg2854insLys (NM_001351834.2); c.641-36812_641-36811insTTT (NM_001330368.2); c.695-10591_695-10590insTTT (NM_001351110.2).
Identifiers: ClinVar variation 938953 (VCV000938953.10), dbSNP rs2088301952, ClinGen allele CA1139662202.